The following is an entry in ClinVar:

ClinVar aggregate classification (germline): Likely pathogenic (1 of 4 stars; one submission).

Submission:

Labcorp Genetics (formerly Invitae), Labcorp
Classification: Likely pathogenic. Last evaluated: 2023-08-16. Review status: criteria provided, single submitter. Criteria: Invitae Variant Classification Sherloc (09022015). Collection method: clinical testing. Allele origin: germline.
Comment: Algorithms developed to predict the effect of sequence changes on RNA splicing suggest that this variant may disrupt the consensus splice site. This variant has not been reported in the literature in individuals affected with POLE-related conditions. This variant is not present in population databases (gnomAD no frequency). This sequence change affects an acceptor splice site in intron 36 of the POLE gene. It is expected to disrupt RNA splicing. Variants that disrupt the donor or acceptor splice site typically lead to a loss of protein function (PMID: 16199547), and loss-of-function variants in POLE are known to be pathogenic (PMID: 23230001, 25948378, 30503519). In summary, the currently available evidence indicates that the variant is pathogenic, but additional data are needed to prove that conclusively. Therefore, this variant has been classified as Likely Pathogenic.

Literature cited by the submitters: PubMed 16199547; PubMed 23230001; PubMed 25948378; PubMed 30503519.

NM_006231.4(POLE):c.4729-2A>G

Gene: POLE (DNA polymerase epsilon, catalytic subunit; minus strand). Cytogenetic location: 12q24.33.
Variant type: single nucleotide variant.
Coding change: c.4729-2A>G on transcript NM_006231.4 (MANE Select); the canonical splice acceptor site of the intron before coding-DNA position 4729, A replaced by G.
Molecular consequence: splice acceptor variant.
Genome position (GRCh38, 1-based): chr12:132,642,731, T>C on the plus strand (A>G on the coding strand, the complement: POLE is on the minus strand). VCF-style: chr12-132642731-T-C. GRCh37 (hg19) VCF-style: chr12-133219317-T-C.
Identifiers: ClinVar variation 2752644 (VCV002752644.3), dbSNP rs2541886499, ClinGen allele CA387378587.